The following is an entry in ClinVar:

ClinVar aggregate classification (germline): Uncertain significance (1 of 4 stars; one submission).

Conditions:
Early-infantile DEE. Also called: Early infantile epileptic encephalopathy; Ohtahara syndrome; Early infantile epileptic encephalopathy with suppression bursts. Identifiers: Orphanet 1934, MedGen C0393706, MONDO:0800491.

Submission:

Labcorp Genetics (formerly Invitae), Labcorp
Classification: Uncertain significance for Early-infantile DEE. Last evaluated: 2021-03-09. Review status: criteria provided, single submitter. Criteria: Invitae Variant Classification Sherloc (09022015). Collection method: clinical testing. Allele origin: germline.
Comment: In summary, the available evidence is currently insufficient to determine the role of this variant in disease. Therefore, it has been classified as a Variant of Uncertain Significance. Algorithms developed to predict the effect of sequence changes on RNA splicing suggest that this variant may disrupt the consensus splice site, but this prediction has not been confirmed by published transcriptional studies. This variant has not been reported in the literature in individuals with ARHGEF15-related conditions. This variant is not present in population databases (ExAC no frequency). This sequence change affects an acceptor splice site in intron 3 of the ARHGEF15 gene. It is expected to disrupt RNA splicing. Variants that disrupt the donor or acceptor splice site typically lead to a loss of protein function (PMID: 16199547), however the current clinical and genetic evidence is not sufficient to establish whether loss-of-function variants in ARHGEF15 cause disease.

Literature cited by the submitters: PubMed 16199547.

NM_173728.4(ARHGEF15):c.935-2del

Gene: ARHGEF15 (Rho guanine nucleotide exchange factor 15; plus strand). Cytogenetic location: 17p13.1.
Variant type: Deletion.
Coding change: c.935-2del on transcript NM_173728.4 (MANE Select); the canonical splice acceptor site of the intron before coding-DNA position 935, one base deleted (A; older notation c.935-2delA).
Molecular consequence: splice acceptor variant.
Genome position (GRCh38, 1-based): chr17:8,313,499, A deleted. VCF-style (leftmost placement, unchanged base first): chr17-8313498-CA-C. GRCh37 (hg19) VCF-style: chr17-8216816-CA-C.
Other names: c.935-2del (NM_025014.2).
Identifiers: ClinVar variation 1447602 (VCV001447602.10), dbSNP rs2151637061, ClinGen allele CA2573154748.